The following is an entry in ClinVar:

NM_015338.6(ASXL1):c.2489C>G (p.Ala830Gly)

Gene: ASXL1 (ASXL transcriptional regulator 1; plus strand). Cytogenetic location: 20q11.21.
Variant type: single nucleotide variant.
Coding change: c.2489C>G on transcript NM_015338.6 (MANE Select); coding-DNA position 2489, C replaced by G.
Protein change: p.Ala830Gly; replaces alanine 830 with glycine.
Molecular consequence: missense variant.
Genome position (GRCh38, 1-based): chr20:32,435,201, C>G. VCF-style: chr20-32435201-C-G. GRCh37 (hg19) VCF-style: chr20-31023004-C-G.
Other names: c.2306C>G, p.Ala769Gly (NM_001363734.1); short protein forms A769G, A830G.
Identifiers: ClinVar variation 3793236 (VCV003793236.1).

ClinVar aggregate classification (germline): Uncertain significance (1 of 4 stars; one submission).

Conditions:
Inborn genetic diseases. Identifiers: MedGen C0950123, MeSH D030342.

Submission:

Ambry Genetics
Classification: Uncertain significance for Inborn genetic diseases. Last evaluated: 2025-02-06. Review status: criteria provided, single submitter. Criteria: Ambry Variant Classification Scheme 2023. Collection method: clinical testing. Allele origin: germline.
Comment: The p.A830G variant (also known as c.2489C>G), located in coding exon 13 of the ASXL1 gene, results from a C to G substitution at nucleotide position 2489. The alanine at codon 830 is replaced by glycine, an amino acid with similar properties. This amino acid position is conserved. In addition, this alteration is predicted to be tolerated by in silico analysis. Based on the available evidence, the clinical significance of this variant remains unclear.